The following is an entry in ClinVar:

ClinVar aggregate classification (germline): Uncertain significance (1 of 4 stars; one submission).

Conditions:
Autosomal recessive limb-girdle muscular dystrophy type 2O. Also called: Limb-Girdle Muscular Dystrophy Type 3C; MUSCULAR DYSTROPHY-DYSTROGLYCANOPATHY (LIMB-GIRDLE), TYPE C, 3; MUSCULAR DYSTROPHY-DYSTROGLYCANOPATHY, LIMB-GIRDLE, POMGNT1-RELATED. Identifiers: Orphanet 206564, MedGen C3150417, MONDO:0013161, OMIM 613157.
Muscular dystrophy-dystroglycanopathy (congenital with impaired intellectual development), type B, 3. Also called: Muscular dystrophy-dystroglycanopathy (congenital with intellectual disability), type B3; MUSCULAR DYSTROPHY, CONGENITAL, POMGNT1-RELATED. Identifiers: MedGen C3150412, MONDO:0013155, OMIM 613151.

Submission:

Labcorp Genetics (formerly Invitae), Labcorp
Classification: Uncertain significance for Autosomal recessive limb-girdle muscular dystrophy type 2O; Muscular dystrophy-dystroglycanopathy (congenital with impaired intellectual development), type B, 3. Last evaluated: 2021-12-23. Review status: criteria provided, single submitter. Criteria: Invitae Variant Classification Sherloc (09022015). Collection method: clinical testing. Allele origin: germline.
Comment: In summary, the available evidence is currently insufficient to determine the role of this variant in disease. Therefore, it has been classified as a Variant of Uncertain Significance. Advanced modeling of protein sequence and biophysical properties (such as structural, functional, and spatial information, amino acid conservation, physicochemical variation, residue mobility, and thermodynamic stability) performed at Invitae indicates that this missense variant is expected to disrupt POMGNT1 protein function. This variant has not been reported in the literature in individuals affected with POMGNT1-related conditions. This variant is not present in population databases (gnomAD no frequency). This sequence change replaces aspartic acid, which is acidic and polar, with glycine, which is neutral and non-polar, at codon 601 of the POMGNT1 protein (p.Asp601Gly).

NM_017739.4(POMGNT1):c.1802A>G (p.Asp601Gly)

Genes: POMGNT1 (protein O-linked mannose N-acetylglucosaminyltransferase 1 (beta 1,2-); minus strand), TSPAN1 (tetraspanin 1; plus strand). Cytogenetic location: 1p34.1.
Variant type: single nucleotide variant.
Coding change: c.1802A>G on transcript NM_017739.4 (MANE Select); coding-DNA position 1802, A replaced by G.
Protein change: p.Asp601Gly; replaces aspartic acid 601 with glycine.
Molecular consequence: missense variant.
Genome position (GRCh38, 1-based): chr1:46,189,551, T>C on the plus strand (A>G on the coding strand, the complement: POMGNT1 is on the minus strand). VCF-style: chr1-46189551-T-C. GRCh37 (hg19) VCF-style: chr1-46655223-T-C.
Other names: c.1802A>G, p.Asp601Gly (NM_001243766.2, NM_001410783.1); c.1736A>G, p.Asp579Gly (NM_001290129.3); c.1373A>G, p.Asp458Gly (NM_001290130.2); short protein forms D579G, D601G, D458G.
Identifiers: ClinVar variation 2054362 (VCV002054362.4), dbSNP rs2525337006, ClinGen allele CA340171053.